The following is an entry in ClinVar:

NM_005876.5(SPEG):c.6286G>A (p.Gly2096Arg)

Genes: ASIC4-AS1 (ASIC4 antisense RNA 1; minus strand), SPEG (striated muscle enriched protein kinase; plus strand). Cytogenetic location: 2q35.
Variant type: single nucleotide variant.
Coding change: c.6286G>A on transcript NM_005876.5 (MANE Select); coding-DNA position 6286, G replaced by A.
Protein change: p.Gly2096Arg; replaces glycine 2096 with arginine.
Molecular consequence: missense variant.
Genome position (GRCh38, 1-based): chr2:219,483,749, G>A. VCF-style: chr2-219483749-G-A. GRCh37 (hg19) VCF-style: chr2-220348471-G-A.
Other names: short protein forms G2096R.
Identifiers: ClinVar variation 2111498 (VCV002111498.2), dbSNP rs534412016, ClinGen allele CA2127010.
Genomic context (GRCh38, chr2:219,483,749, plus strand): 5'-CGGGGAGGCCCCGAGGATGGCAAGGTCAGCGGCCTCAGGGGTCCCCTGCTGGAGAGCCTG[G>A]GGGGCCGTGCTCGGGACCCCCGGATGGCACGAGCTGCCTCCAGCGAGGCAGCGCCCCACC-3'
Protein context (NP_005867.3, residues 2086-2106): GLRGPLLESL[Gly2096Arg]GRARDPRMAR

ClinVar aggregate classification (germline): Uncertain significance (1 of 4 stars; one submission).

Allele frequency attached by ClinVar (database versions not stated): gnomAD 0.00001; ExAC 0.00008; 1000 Genomes Project 30x 0.00016; 1000 Genomes Project 0.00020.
gnomAD v4.1: 3 of 1,541,388 alleles (0.00019%); highest among the groups gnomAD compares: South Asian, 0.0012%; no homozygotes.

Submission:

Labcorp Genetics (formerly Invitae), Labcorp
Classification: Uncertain significance. Last evaluated: 2022-03-14. Review status: criteria provided, single submitter. Criteria: Invitae Variant Classification Sherloc (09022015). Collection method: clinical testing. Allele origin: germline.
Comment: This variant has not been reported in the literature in individuals affected with SPEG-related conditions. This variant is present in population databases (rs534412016, gnomAD 0.004%). This sequence change replaces glycine, which is neutral and non-polar, with arginine, which is basic and polar, at codon 2096 of the SPEG protein (p.Gly2096Arg). In summary, the available evidence is currently insufficient to determine the role of this variant in disease. Therefore, it has been classified as a Variant of Uncertain Significance. Algorithms developed to predict the effect of missense changes on protein structure and function are either unavailable or do not agree on the potential impact of this missense change (SIFT: "Deleterious"; PolyPhen-2: "Probably Damaging"; Align-GVGD: "Class C15").